The following is an entry in ClinVar:

ClinVar aggregate classification (germline): Uncertain significance (1 of 4 stars; one submission).

Conditions:
Early-infantile DEE. Also called: Ohtahara syndrome; Early infantile epileptic encephalopathy with suppression bursts; Early infantile epileptic encephalopathy. Identifiers: Orphanet 1934, MedGen C0393706, MONDO:0800491.

Submission:

Labcorp Genetics (formerly Invitae), Labcorp
Classification: Uncertain significance for Early-infantile DEE. Last evaluated: 2020-05-21. Review status: criteria provided, single submitter. Criteria: Invitae Variant Classification Sherloc (09022015). Collection method: clinical testing. Allele origin: germline.
Comment: In summary, the available evidence is currently insufficient to determine the role of this variant in disease. Therefore, it has been classified as a Variant of Uncertain Significance. Algorithms developed to predict the effect of missense changes on protein structure and function are either unavailable or do not agree on the potential impact of this missense change (SIFT: "Deleterious"; PolyPhen-2: "Probably Damaging"; Align-GVGD: "Class C0"). This variant has not been reported in the literature in individuals with KCNQ2-related conditions. This variant is not present in population databases (ExAC no frequency). This sequence change replaces cysteine with glycine at codon 846 of the KCNQ2 protein (p.Cys846Gly). The cysteine residue is highly conserved and there is a large physicochemical difference between cysteine and glycine.

NM_172107.4(KCNQ2):c.2536T>G (p.Cys846Gly)

Gene: KCNQ2 (potassium voltage-gated channel subfamily Q member 2; minus strand). Cytogenetic location: 20q13.33.
Variant type: single nucleotide variant.
Coding change: c.2536T>G on transcript NM_172107.4 (MANE Select); coding-DNA position 2536, T replaced by G.
Protein change: p.Cys846Gly; replaces cysteine 846 with glycine.
Molecular consequence: missense variant.
Genome position (GRCh38, 1-based): chr20:63,406,727, A>C on the plus strand (T>G on the coding strand, the complement: KCNQ2 is on the minus strand). VCF-style: chr20-63406727-A-C. GRCh37 (hg19) VCF-style: chr20-62038080-A-C.
Other names: c.2590T>G, p.Cys864Gly (NM_001382235.1); c.2452T>G, p.Cys818Gly (NM_004518.6); c.2482T>G, p.Cys828Gly (NM_172106.3); c.2443T>G, p.Cys815Gly (NM_172108.5); short protein forms C828G, C864G, C815G, C818G, C846G.
Identifiers: ClinVar variation 1046700 (VCV001046700.9), dbSNP rs2079947062, ClinGen allele CA409636649.